The following is an entry in ClinVar:

NM_025099.6(CTC1):c.147C>T (p.Val49=)

Gene: CTC1 (CST telomere replication complex component 1; minus strand). Cytogenetic location: 17p13.1.
Variant type: single nucleotide variant.
Coding change: c.147C>T on transcript NM_025099.6 (MANE Select); coding-DNA position 147, C replaced by T.
Protein change: p.Val49=; no amino-acid change (valine 49 retained).
Molecular consequence: synonymous variant. On other transcripts: non-coding transcript variant (1).
Genome position (GRCh38, 1-based): chr17:8,243,035, G>A on the plus strand (C>T on the coding strand, the complement: CTC1 is on the minus strand). VCF-style: chr17-8243035-G-A. GRCh37 (hg19) VCF-style: chr17-8146353-G-A.
Other names: p.Val49=.
Identifiers: ClinVar variation 434855 (VCV000434855.61), dbSNP rs201492796, ClinGen allele CA8372704.

ClinVar aggregate classification (germline): Conflicting classifications of pathogenicity. Review status: criteria provided, conflicting classifications (1 of 4 stars). 12 submissions from 12 submitters: Uncertain significance (1); Benign (1); Likely benign (7). 3 of the submissions do not count toward it. Last evaluated 2026-03-01.

Conditions:
Cerebroretinal microangiopathy with calcifications and cysts 1 (CRMCC1). Identifiers: Orphanet 313838, MedGen C4552029, MONDO:0024564, OMIM 612199.
CTC1-related disorder. Also called: CTC1-related condition.
Dyskeratosis congenita. Identifiers: Orphanet 1775, MedGen C0265965, MONDO:0015780.

Allele frequency attached by ClinVar (database versions not stated): TOPMed 0.00075; ESP Exome Variant Server 0.00107; gnomAD 0.00109 and 0.00114.
gnomAD v4.1: 1,445 of 1,613,820 alleles (0.09%); highest among the groups gnomAD compares: Non-Finnish European, 0.1%; 3 homozygotes.

Submissions (12):

CeGaT Center for Human Genetics Tuebingen
Classification: Likely benign. Last evaluated: 2026-03-01. Review status: criteria provided, single submitter. Criteria: CeGaT Center For Human Genetics Tuebingen Variant Classification Criteria Version 2. Collection method: clinical testing. Allele origin: germline. Affected: yes. Observed: 16 variant alleles.
Comment: CTC1: BP4, BP7

Labcorp Genetics (formerly Invitae), Labcorp
Classification: Likely benign for Dyskeratosis congenita. Last evaluated: 2026-02-03. Review status: criteria provided, single submitter. Criteria: Invitae Variant Classification Sherloc (09022015). Collection method: clinical testing. Allele origin: germline.

Laboratory of Genetics, Children's Clinical University Hospital Latvia
Classification: Benign. Last evaluated: 2025-02-16. Review status: criteria provided, single submitter. Criteria: ACMG Guidelines, 2015. Collection method: clinical testing. Allele origin: germline. Affected: yes.

Mayo Clinic Laboratories, Mayo Clinic
Classification: Likely benign. Last evaluated: 2025-02-10. Review status: criteria provided, single submitter. Criteria: ACMG Guidelines, 2015. Collection method: clinical testing. Allele origin: germline. Observed: 7 variant alleles.
Comment: BS2, BP4, BP7

Blueprint Genetics
Classification: Likely benign. Last evaluated: 2024-11-25. Review status: criteria provided, single submitter. Criteria: ACMG Guidelines, 2015. Collection method: clinical testing. Allele origin: germline.

Genome-Nilou Lab
Classification: Likely benign for Cerebroretinal microangiopathy with calcifications and cysts 1. Last evaluated: 2021-07-15. Review status: criteria provided, single submitter. Criteria: ACMG Guidelines, 2015. Collection method: clinical testing. Allele origin: germline. Affected: no.

Sema4
Classification: Likely benign for Dyskeratosis congenita. Last evaluated: 2020-10-15. Review status: criteria provided, single submitter. Criteria: Sema4 Curation Guidelines. Collection method: curation. Allele origin: germline.

Illumina Laboratory Services, Illumina
Classification: Uncertain significance for Dyskeratosis congenita. Last evaluated: 2018-01-12. Review status: criteria provided, single submitter. Criteria: ICSL Variant Classification Criteria 13 December 2019. Collection method: clinical testing. Allele origin: germline.

Genetic Services Laboratory, University of Chicago
Classification: Likely benign. Last evaluated: 2017-05-02. Review status: criteria provided, single submitter. Criteria: ACMG Guidelines, 2015. Collection method: clinical testing. Allele origin: germline. Affected: no.

PreventionGenetics, part of Exact Sciences
Classification: Likely benign for CTC1-related condition. Last evaluated: 2020-07-24. Review status: no assertion criteria provided. Collection method: clinical testing. Allele origin: germline. Not counted in ClinVar's aggregate classification.
Comment: This variant is classified as likely benign based on ACMG/AMP sequence variant interpretation guidelines (Richards et al. 2015 PMID: 25741868, with internal and published modifications).

Clinical Genetics DNA and cytogenetics Diagnostics Lab, Erasmus MC, Erasmus Medical Center
Classification: Likely benign. Review status: no assertion criteria provided. Collection method: clinical testing. Allele origin: germline. Affected: yes. Study: VKGL Data-share Consensus. Not counted in ClinVar's aggregate classification.

Genome Diagnostics Laboratory, University Medical Center Utrecht
Classification: Likely benign. Review status: no assertion criteria provided. Collection method: clinical testing. Allele origin: germline. Affected: yes. Study: VKGL Data-share Consensus. Not counted in ClinVar's aggregate classification.